The following is an entry in ClinVar:

ClinVar aggregate classification (germline): Uncertain significance. Review status: criteria provided, multiple submitters, no conflicts (2 of 4 stars). 3 submissions from 3 submitters: Uncertain significance (3). Last evaluated 2021-09-12.

Conditions:
Hereditary nonpolyposis colorectal neoplasms. Identifiers: MedGen C0009405, MeSH D003123.
Hereditary cancer-predisposing syndrome. Also called: Neoplastic Syndromes, Hereditary; Tumor predisposition; Hereditary Cancer Syndrome; Hereditary neoplastic syndrome. Identifiers: Orphanet 140162, MedGen C0027672, MeSH D009386, MONDO:0015356.

Submissions (3):

Labcorp Genetics (formerly Invitae), Labcorp
Classification: Uncertain significance for Hereditary nonpolyposis colorectal neoplasms. Last evaluated: 2021-09-12. Review status: criteria provided, single submitter. Criteria: Invitae Variant Classification Sherloc (09022015). Collection method: clinical testing. Allele origin: germline.
Comment: This sequence change replaces serine with isoleucine at codon 328 of the MSH6 protein (p.Ser328Ile). The serine residue is weakly conserved and there is a large physicochemical difference between serine and isoleucine. This variant is not present in population databases (ExAC no frequency). This variant has not been reported in the literature in individuals affected with MSH6-related conditions. ClinVar contains an entry for this variant (Variation ID: 921522). Advanced modeling of protein sequence and biophysical properties (such as structural, functional, and spatial information, amino acid conservation, physicochemical variation, residue mobility, and thermodynamic stability) performed at Invitae indicates that this missense variant is not expected to disrupt MSH6 protein function. In summary, the available evidence is currently insufficient to determine the role of this variant in disease. Therefore, it has been classified as a Variant of Uncertain Significance.

Color Diagnostics, LLC DBA Color Health
Classification: Uncertain significance for Hereditary cancer-predisposing syndrome. Last evaluated: 2019-09-19. Review status: criteria provided, single submitter. Criteria: ACMG Guidelines, 2015. Collection method: clinical testing. Allele origin: germline.
Comment: This missense variant replaces serine with isoleucine at codon 328 of the MSH6 protein. Computational prediction tool suggests that this variant may not impact protein structure and function (internally defined REVEL score threshold ≤0.5, PMID: 27666373). Splice site prediction tools suggest that this variant may not impact RNA splicing. To our knowledge, functional studies have not been performed for this variant. This variant has not been reported in individuals affected with hereditary cancer in the literature. This variant has not been identified in the general population by the Genome Aggregation Database (gnomAD). The available evidence is insufficient to determine the role of this variant in disease conclusively. Therefore, this variant is classified as a Variant of Uncertain Significance.

Ambry Genetics
Classification: Uncertain significance for Hereditary cancer-predisposing syndrome. Last evaluated: 2015-12-29. Review status: criteria provided, single submitter. Criteria: Ambry Variant Classification Scheme 2023. Collection method: clinical testing. Allele origin: germline.
Comment: The p.S328I variant (also known as c.983G>T), located in coding exon 4 of the MSH6 gene, results from a G to T substitution at nucleotide position 983. The serine at codon 328 is replaced by isoleucine, an amino acid with dissimilar properties. This variant was not reported in population based cohorts in the following databases: Database of Single Nucleotide Polymorphisms (dbSNP), NHLBI Exome Sequencing Project (ESP), and 1000 Genomes Project. In the ESP, this variant was not observed in 6503 samples (13006 alleles) with coverage at this position. To date, this alteration has been detected with an allele frequency of approximately 0.001% (greater than 115000 alleles tested) in our clinical cohort. This amino acid position is poorly conserved in available vertebrate species. In addition, this alteration is predicted to be tolerated by in silico analysis. In addition, the CoDP in silico tool predicts this alteration to have a minor impact on molecular function, with a score of 0.000 (Terui H et al. J Biomed Sci. 2013;20:25). Since supporting evidence is limited at this time, the clinical significance of p.S328I remains unclear.

NM_000179.3(MSH6):c.983G>T (p.Ser328Ile)

Gene: MSH6 (mutS homolog 6; plus strand). Cytogenetic location: 2p16.3.
Variant type: single nucleotide variant.
Coding change: c.983G>T on transcript NM_000179.3 (MANE Select); coding-DNA position 983, G replaced by T.
Protein change: p.Ser328Ile; replaces serine 328 with isoleucine.
Molecular consequence: missense variant.
Genome position (GRCh38, 1-based): chr2:47,798,966, G>T. VCF-style: chr2-47798966-G-T. GRCh37 (hg19) VCF-style: chr2-48026105-G-T.
Other names: c.593G>T, p.Ser198Ile (NM_001281492.2); c.77G>T, p.Ser26Ile (NM_001281493.2, NM_001281494.2); short protein forms S26I, S328I, S198I.
Identifiers: ClinVar variation 921522 (VCV000921522.11), dbSNP rs1060502879, ClinGen allele CA346741057.